The following is an entry in ClinVar:

ClinVar aggregate classification (germline): Likely pathogenic (1 of 4 stars; one submission).

Submission:

Labcorp Genetics (formerly Invitae), Labcorp
Classification: Likely pathogenic. Last evaluated: 2024-04-17. Review status: criteria provided, single submitter. Criteria: Invitae Variant Classification Sherloc (09022015). Collection method: clinical testing. Allele origin: germline.
Comment: This sequence change affects a donor splice site in intron 23 of the NPHS1 gene. It is expected to disrupt RNA splicing. Variants that disrupt the donor or acceptor splice site typically lead to a loss of protein function (PMID: 16199547), and loss-of-function variants in NPHS1 are known to be pathogenic (PMID: 11317351, 11854170, 12039988). This variant is not present in population databases (gnomAD no frequency). This variant has not been reported in the literature in individuals affected with NPHS1-related conditions. Algorithms developed to predict the effect of sequence changes on RNA splicing suggest that this variant may disrupt the consensus splice site. In summary, the currently available evidence indicates that the variant is pathogenic, but additional data are needed to prove that conclusively. Therefore, this variant has been classified as Likely Pathogenic.

Literature cited by the submitters: PubMed 16199547; PubMed 11317351; PubMed 11854170; PubMed 12039988.

NM_004646.4(NPHS1):c.3166+2C>G

Gene: NPHS1 (NPHS1 adhesion molecule, nephrin; minus strand). Cytogenetic location: 19q13.12.
Variant type: single nucleotide variant.
Coding change: c.3166+2C>G on transcript NM_004646.4 (MANE Select); the canonical splice donor site of the intron after coding-DNA position 3166, C replaced by G.
Molecular consequence: splice donor variant.
Genome position (GRCh38, 1-based): chr19:35,835,703, G>C on the plus strand (C>G on the coding strand, the complement: NPHS1 is on the minus strand). VCF-style: chr19-35835703-G-C. GRCh37 (hg19) VCF-style: chr19-36326605-G-C.
Identifiers: ClinVar variation 3670333 (VCV003670333.2).